The following is an entry in ClinVar:

NM_007126.5(VCP):c.1318G>A (p.Glu440Lys)

Gene: VCP (valosin containing protein; minus strand). Cytogenetic location: 9p13.3.
Variant type: single nucleotide variant.
Coding change: c.1318G>A on transcript NM_007126.5 (MANE Select); coding-DNA position 1318, G replaced by A.
Protein change: p.Glu440Lys; replaces glutamic acid 440 with lysine.
Molecular consequence: missense variant.
Genome position (GRCh38, 1-based): chr9:35,061,056, C>T on the plus strand (G>A on the coding strand, the complement: VCP is on the minus strand). VCF-style: chr9-35061056-C-T. GRCh37 (hg19) VCF-style: chr9-35061053-C-T.
Other names: c.1183G>A, p.Glu395Lys (NM_001354927.2, NM_001354928.2); short protein forms E395K, E440K.
Identifiers: ClinVar variation 1039996 (VCV001039996.9), dbSNP rs955652521, ClinGen allele CA192680178.

ClinVar aggregate classification (germline): Uncertain significance (1 of 4 stars; one submission).

Conditions:
Frontotemporal dementia and/or amyotrophic lateral sclerosis 6 (FTDALS6). Also called: VCP-Related Amyotrophic Lateral Sclerosis; VCP-Related Amyotrophic Lateral Sclerosis/Frontotemporal Dementia. Identifiers: Orphanet 275872, Orphanet 803, MedGen C5436279, MONDO:0013501, OMIM 613954.
Inclusion body myopathy with Paget disease of bone and frontotemporal dementia. Also called: Inclusion body myopathy with early-onset Paget disease and frontotemporal dementia. Identifiers: Orphanet 52430, MedGen C1833662, MONDO:0000507.

gnomAD v4.1: 3 of 1,614,136 alleles (0.00019%); highest among the groups gnomAD compares: Middle Eastern, 0.017%; no homozygotes.

Submission:

Labcorp Genetics (formerly Invitae), Labcorp
Classification: Uncertain significance for Inclusion body myopathy with Paget disease of bone and frontotemporal dementia; Frontotemporal dementia and/or amyotrophic lateral sclerosis 6. Last evaluated: 2024-10-18. Review status: criteria provided, single submitter. Criteria: Invitae Variant Classification Sherloc (09022015). Collection method: clinical testing. Allele origin: germline.
Comment: This sequence change replaces glutamic acid, which is acidic and polar, with lysine, which is basic and polar, at codon 440 of the VCP protein (p.Glu440Lys). This variant is not present in population databases (gnomAD no frequency). This variant has not been reported in the literature in individuals affected with VCP-related conditions. ClinVar contains an entry for this variant (Variation ID: 1039996). Invitae Evidence Modeling of protein sequence and biophysical properties (such as structural, functional, and spatial information, amino acid conservation, physicochemical variation, residue mobility, and thermodynamic stability) indicates that this missense variant is not expected to disrupt VCP protein function with a negative predictive value of 95%. In summary, the available evidence is currently insufficient to determine the role of this variant in disease. Therefore, it has been classified as a Variant of Uncertain Significance.